The following is an entry in ClinVar:

NM_004960.3(FUS):c.*1803C>T

Gene: FUS (FUS DNA/RNA binding protein; plus strand). Cytogenetic location: 16p11.2.
Variant type: single nucleotide variant.
Coding change: c.*1803C>T on transcript NM_004960.3; 1803 bases downstream of the stop codon, C replaced by T.
Molecular consequence: 3 prime UTR variant (on NM_001170634.1). On other transcripts: non-coding transcript variant (1).
Genome position (GRCh38, 1-based): chr16:31,193,241, C>T. VCF-style: chr16-31193241-C-T. GRCh37 (hg19) VCF-style: chr16-31204562-C-T.
Other names: c.*1803C>T (NM_001170634.1, NM_001170937.1).
Identifiers: ClinVar variation 319025 (VCV000319025.7), dbSNP rs16956408, ClinGen allele CA8024273.

ClinVar aggregate classification (germline): Benign (1 of 4 stars; one submission).

Conditions:
Amyotrophic lateral sclerosis type 6. Also called: FUS-Related Amyotrophic Laterial Sclerosis; AMYOTROPHIC LATERAL SCLEROSIS 6 WITHOUT FRONTOTEMPORAL DEMENTIA; Amyotrophic lateral sclerosis 6, with or without frontotemporal dementia. Identifiers: Orphanet 275872, Orphanet 803, MedGen C2931786, MONDO:0011951, OMIM 608030.

Allele frequency attached by ClinVar (database versions not stated): 1000 Genomes Project 0.05811; gnomAD 0.06040; ExAC 0.01059; gnomAD exomes 0.01401; 1000 Genomes Project 30x 0.06277; TOPMed 0.06261.
gnomAD v4.1: 12,321 of 503,226 alleles (2.4%); highest among the groups gnomAD compares: African/African-American, 19%; 985 homozygotes.

Submission:

Illumina Laboratory Services, Illumina
Classification: Benign for Amyotrophic lateral sclerosis type 6. Last evaluated: 2018-01-13. Review status: criteria provided, single submitter. Criteria: ICSL Variant Classification Criteria 13 December 2019. Collection method: clinical testing. Allele origin: germline.
Comment: This variant was observed in the ICSL laboratory as part of a predisposition screen in an ostensibly healthy population. It had not been previously curated by ICSL or reported in the Human Gene Mutation Database (HGMD: prior to June 1st, 2018), and was therefore a candidate for classification through an automated scoring system. Utilizing variant allele frequency, disease prevalence and penetrance estimates, and inheritance mode, an automated score was calculated to assess if this variant is too frequent to cause the disease. Based on the score and internal cut-off values, a variant classified as benign is not then subjected to further curation. The score for this variant resulted in a classification of benign for this disease.